The following is an entry in ClinVar:

NM_001376.5(DYNC1H1):c.4699C>T (p.Arg1567Trp)

Gene: DYNC1H1 (dynein cytoplasmic 1 heavy chain 1; plus strand). Cytogenetic location: 14q32.31.
Variant type: single nucleotide variant.
Coding change: c.4699C>T on transcript NM_001376.5 (MANE Select); coding-DNA position 4699, C replaced by T.
Protein change: p.Arg1567Trp; replaces arginine 1567 with tryptophan.
Molecular consequence: missense variant.
Genome position (GRCh38, 1-based): chr14:102,002,693, C>T. VCF-style: chr14-102002693-C-T. GRCh37 (hg19) VCF-style: chr14-102469030-C-T.
Other names: c.4699C>T (NM_001376.4); short protein forms R1567W.
Identifiers: ClinVar variation 1513471 (VCV001513471.8), dbSNP rs377013246, ClinGen allele CA391043311.

ClinVar aggregate classification (germline): Likely pathogenic. Review status: criteria provided, single submitter (1 of 4 stars). 2 submissions from 2 submitters: Likely pathogenic (1). 1 of the submissions does not count toward it. Last evaluated 2024-05-22.

Conditions:
Charcot-Marie-Tooth disease axonal type 2O. Also called: CHARCOT-MARIE-TOOTH NEUROPATHY, AXONAL, TYPE 2O; CHARCOT-MARIE-TOOTH DISEASE, AXONAL, AUTOSOMAL DOMINANT, TYPE 2O; Charcot-Marie-Tooth Neuropathy Type 2O; Charcot-Marie-Tooth disease, axonal, type 20. Identifiers: Orphanet 284232, MedGen C3280220, MONDO:0013644, OMIM 614228.
DYNC1H1-related disorder. Also called: DYNC1H1-related condition; DYNC1H1-related disorders. Identifiers: MedGen CN381529.

Submissions (2):

Labcorp Genetics (formerly Invitae), Labcorp
Classification: Likely pathogenic for Charcot-Marie-Tooth disease axonal type 2O. Last evaluated: 2024-05-22. Review status: criteria provided, single submitter. Criteria: Invitae Variant Classification Sherloc (09022015). Collection method: clinical testing. Allele origin: germline.
Comment: This sequence change replaces arginine, which is basic and polar, with tryptophan, which is neutral and slightly polar, at codon 1567 of the DYNC1H1 protein (p.Arg1567Trp). This variant is not present in population databases (gnomAD no frequency). This variant has not been reported in the literature in individuals affected with DYNC1H1-related conditions. ClinVar contains an entry for this variant (Variation ID: 1513471). Advanced modeling of protein sequence and biophysical properties (such as structural, functional, and spatial information, amino acid conservation, physicochemical variation, residue mobility, and thermodynamic stability) performed at Invitae indicates that this missense variant is expected to disrupt DYNC1H1 protein function with a positive predictive value of 95%. This variant disrupts the p.Arg1567 amino acid residue in DYNC1H1. Other variant(s) that disrupt this residue have been determined to be pathogenic (PMID: 23603762, 28196890, 31164858). This suggests that this residue is clinically significant, and that variants that disrupt this residue are likely to be disease-causing. In summary, the currently available evidence indicates that the variant is pathogenic, but additional data are needed to prove that conclusively. Therefore, this variant has been classified as Likely Pathogenic.

PreventionGenetics, part of Exact Sciences
Classification: Uncertain significance for DYNC1H1-related condition. Last evaluated: 2023-11-22. Review status: no assertion criteria provided. Collection method: clinical testing. Allele origin: germline. Not counted in ClinVar's aggregate classification.
Comment: The DYNC1H1 c.4699C>T variant is predicted to result in the amino acid substitution p.Arg1567Trp. To our knowledge, this variant has not been reported in the literature in a large population database, indicating this variant is rare. A different missense variant affecting the same amino acid (p.Arg1567Gln) has been reported as pathogenic (Hoang et al. 2017. PubMed ID: 28196890; Poirier et al. 2013. PubMed ID: 23603762). At this time, the clinical significance of this variant is uncertain due to the absence of conclusive functional and genetic evidence.

Literature cited by the submitters: PubMed 23603762 (cited by Labcorp Genetics (formerly Invitae), Labcorp); PubMed 28196890 (cited by Labcorp Genetics (formerly Invitae), Labcorp); PubMed 31164858 (cited by Labcorp Genetics (formerly Invitae), Labcorp).